The following is an entry in ClinVar:

NM_013254.4(TBK1):c.889C>T (p.Gln297Ter)

Gene: TBK1 (TANK binding kinase 1; plus strand). Cytogenetic location: 12q14.2.
Variant type: single nucleotide variant.
Coding change: c.889C>T on transcript NM_013254.4 (MANE Select); coding-DNA position 889, C replaced by T.
Protein change: p.Gln297Ter; replaces glutamine 297 with a stop codon.
Molecular consequence: nonsense.
Genome position (GRCh38, 1-based): chr12:64,481,918, C>T. VCF-style: chr12-64481918-C-T. GRCh37 (hg19) VCF-style: chr12-64875698-C-T.
Other names: short protein forms Q297*.
Identifiers: ClinVar variation 3722328 (VCV003722328.2).

ClinVar aggregate classification (germline): Pathogenic (1 of 4 stars; one submission).

Conditions:
Frontotemporal dementia and/or amyotrophic lateral sclerosis 4. Also called: FTDALS4. Identifiers: Orphanet 275872, MedGen C4225325, MONDO:0014641, OMIM 616439.

Submission:

Labcorp Genetics (formerly Invitae), Labcorp
Classification: Pathogenic for Frontotemporal dementia and/or amyotrophic lateral sclerosis 4. Last evaluated: 2024-10-06. Review status: criteria provided, single submitter. Criteria: Invitae Variant Classification Sherloc (09022015). Collection method: clinical testing. Allele origin: germline.
Comment: This sequence change creates a premature translational stop signal (p.Gln297*) in the TBK1 gene. It is expected to result in an absent or disrupted protein product. Loss-of-function variants in TBK1 are known to be pathogenic (PMID: 25803835, 26476236, 26581300). This variant is not present in population databases (gnomAD no frequency). This variant has not been reported in the literature in individuals affected with TBK1-related conditions. Algorithms developed to predict the effect of sequence changes on RNA splicing suggest that this variant may disrupt the consensus splice site. For these reasons, this variant has been classified as Pathogenic.

Literature cited by the submitters: PubMed 25803835; PubMed 26476236; PubMed 26581300.